The following is an entry in ClinVar:

ClinVar aggregate classification (germline): Benign. Review status: criteria provided, multiple submitters, no conflicts (2 of 4 stars). 2 submissions from 2 submitters: Benign (2). Last evaluated 2022-04-01.

Allele frequency attached by ClinVar (database versions not stated): gnomAD exomes 0.00021 and 0.00044; ExAC 0.00051; 1000 Genomes Project 0.00080; 1000 Genomes Project 30x 0.00109; gnomAD 0.00136 and 0.00140; TOPMed 0.00163; ESP Exome Variant Server 0.00185.
gnomAD v4.1: 536 of 1,613,416 alleles (0.033%); highest among the groups gnomAD compares: African/African-American, 0.42%; 2 homozygotes.

Submissions (2):

CeGaT Center for Human Genetics Tuebingen
Classification: Benign. Last evaluated: 2022-04-01. Review status: criteria provided, single submitter. Criteria: CeGaT Center For Human Genetics Tuebingen Variant Classification Criteria Version 2. Collection method: clinical testing. Allele origin: germline. Affected: yes. Observed: 1 variant allele.
Comment: GRIA2: BS1, BS2

Labcorp Genetics (formerly Invitae), Labcorp
Classification: Benign. Last evaluated: 2018-06-26. Review status: criteria provided, single submitter. Criteria: Invitae Variant Classification Sherloc (09022015). Collection method: clinical testing. Allele origin: germline.

NM_001083619.3(GRIA2):c.2094G>A (p.Ala698=)

Gene: GRIA2 (glutamate ionotropic receptor AMPA type subunit 2; plus strand). Cytogenetic location: 4q32.1.
Variant type: single nucleotide variant.
Coding change: c.2094G>A on transcript NM_001083619.3 (MANE Select); coding-DNA position 2094, G replaced by A.
Protein change: p.Ala698=; no amino-acid change (alanine 698 retained).
Molecular consequence: synonymous variant.
Genome position (GRCh38, 1-based): chr4:157,359,946, G>A. VCF-style: chr4-157359946-G-A. GRCh37 (hg19) VCF-style: chr4-158281098-G-A.
Other names: c.2094G>A, p.Ala698= (NM_000826.6); c.1953G>A, p.Ala651= (NM_001083620.3, NM_001379000.3, NM_001379001.3).
Identifiers: ClinVar variation 784046 (VCV000784046.27), dbSNP rs149144627, ClinGen allele CA3120483.